The following is an entry in ClinVar:

ClinVar aggregate classification (germline): Conflicting classifications of pathogenicity. Review status: criteria provided, conflicting classifications (1 of 4 stars). 3 submissions from 3 submitters: Uncertain significance (2); Likely benign (1). Last evaluated 2026-02-03.

Conditions:
Hereditary breast ovarian cancer syndrome. Also called: Hereditary breast and ovarian cancer syndrome; Hereditary breast and ovarian cancer; Hereditary breast and ovarian cancer syndrome (HBOC); Breast and ovarian cancer; BRCA1- and BRCA2-Associated Hereditary Breast and Ovarian Cancer; Hereditary breast and/or ovarian cancer syndrome. Identifiers: Orphanet 145, MedGen C0677776, MeSH D061325, MONDO:0003582. Disease mechanism: loss of function.
Hereditary cancer-predisposing syndrome. Also called: Neoplastic Syndromes, Hereditary; Tumor predisposition; Hereditary neoplastic syndrome; Hereditary Cancer Syndrome. Identifiers: Orphanet 140162, MedGen C0027672, MeSH D009386, MONDO:0015356.

Submissions (3):

GeneDx
Classification: Uncertain significance. Last evaluated: 2026-02-03. Review status: criteria provided, single submitter. Criteria: GeneDx Variant Classification Process June 2021. Collection method: clinical testing. Allele origin: germline.
Comment: Not observed at significant frequency in large population cohorts (gnomAD); In silico analysis supports that this missense variant has a deleterious effect on protein structure/function; Has not been previously published as pathogenic or benign to our knowledge; Also known as 3936A>T; This variant is associated with the following publications: (PMID: 22193408, 9002670)

University of Washington Department of Laboratory Medicine, University of Washington
Classification: Likely benign for Hereditary cancer-predisposing syndrome. Last evaluated: 2023-03-23. Review status: criteria provided, single submitter. Criteria: Dines et al. (Genet Med. 2020). Collection method: curation. Allele origin: germline.
Comment: Missense variant in a coldspot region where missense variants are very unlikely to be pathogenic (PMID:31911673).

BRCA2 exon 11 coldspot. Reclassification based on statistical prior probability.

Labcorp Genetics (formerly Invitae), Labcorp
Classification: Uncertain significance for Hereditary breast ovarian cancer syndrome. Last evaluated: 2020-02-05. Review status: criteria provided, single submitter. Criteria: Invitae Variant Classification Sherloc (09022015). Collection method: clinical testing. Allele origin: germline.
Comment: In summary, the available evidence is currently insufficient to determine the role of this variant in disease. Therefore, it has been classified as a Variant of Uncertain Significance. Algorithms developed to predict the effect of missense changes on protein structure and function (SIFT, PolyPhen-2, Align-GVGD) all suggest that this variant is likely to be disruptive, but these predictions have not been confirmed by published functional studies and their clinical significance is uncertain. This variant has not been reported in the literature in individuals with BRCA2-related conditions. This variant is not present in population databases (ExAC no frequency). This sequence change replaces lysine with asparagine at codon 1236 of the BRCA2 protein (p.Lys1236Asn). The lysine residue is highly conserved and there is a moderate physicochemical difference between lysine and asparagine.

NM_000059.4(BRCA2):c.3708A>T (p.Lys1236Asn)

Gene: BRCA2 (BRCA2 DNA repair associated; plus strand). Cytogenetic location: 13q13.1.
Variant type: single nucleotide variant.
Coding change: c.3708A>T on transcript NM_000059.4 (MANE Select); coding-DNA position 3708, A replaced by T.
Protein change: p.Lys1236Asn; replaces lysine 1236 with asparagine.
Molecular consequence: missense variant.
Genome position (GRCh38, 1-based): chr13:32,338,063, A>T. VCF-style: chr13-32338063-A-T. GRCh37 (hg19) VCF-style: chr13-32912200-A-T.
Other names: c.3708A>T (NM_000059.3); short protein forms K1236N.
Identifiers: ClinVar variation 1007476 (VCV001007476.11), dbSNP rs2072486840, ClinGen allele CA387778063.